The following is an entry in ClinVar:

ClinVar aggregate classification (germline): Pathogenic (1 of 4 stars; one submission).

Submission:

Labcorp Genetics (formerly Invitae), Labcorp
Classification: Pathogenic. Last evaluated: 2023-12-21. Review status: criteria provided, single submitter. Criteria: Invitae Variant Classification Sherloc (09022015). Collection method: clinical testing. Allele origin: germline.
Comment: This sequence change creates a premature translational stop signal (p.Lys1758Asnfs*15) in the FREM2 gene. It is expected to result in an absent or disrupted protein product. Loss-of-function variants in FREM2 are known to be pathogenic (PMID: 18203166, 26552811). This variant is not present in population databases (gnomAD no frequency). This variant has not been reported in the literature in individuals affected with FREM2-related conditions. For these reasons, this variant has been classified as Pathogenic.

Literature cited by the submitters: PubMed 18203166; PubMed 26552811.

NM_207361.6(FREM2):c.5274_5278del (p.Lys1758fs)

Gene: FREM2 (FRAS1 related extracellular matrix 2; plus strand). Cytogenetic location: 13q13.3.
Variant type: Deletion.
Coding change: c.5274_5278del on transcript NM_207361.6 (MANE Select); coding-DNA positions 5274 to 5278, 5 bases deleted (GTTAA; older notation c.5274_5278delGTTAA).
Protein change: p.Lys1758fs; shifts the reading frame from lysine 1758.
Molecular consequence: frameshift variant.
Genome position (GRCh38, 1-based): chr13:38,764,314-38,764,318, GTTAA deleted; deleting any 5 consecutive bases within chr13:38,764,312-38,764,318 gives the same sequence; the c. name uses the placement nearest the transcript's 3' end. VCF-style (leftmost placement, unchanged base first): chr13-38764311-CAAGTT-C. GRCh37 (hg19) VCF-style: chr13-39338448-CAAGTT-C.
Other names: short protein forms K1758fs.
Identifiers: ClinVar variation 2704692 (VCV002704692.3), dbSNP rs1186706389, ClinGen allele CA697924462.